The following is an entry in ClinVar:

NM_003482.4(KMT2D):c.7124C>G (p.Thr2375Ser)

Gene: KMT2D (lysine methyltransferase 2D; minus strand). Cytogenetic location: 12q13.12.
Variant type: single nucleotide variant.
Coding change: c.7124C>G on transcript NM_003482.4 (MANE Select); coding-DNA position 7124, C replaced by G.
Protein change: p.Thr2375Ser; replaces threonine 2375 with serine.
Molecular consequence: missense variant.
Genome position (GRCh38, 1-based): chr12:49,040,646, G>C on the plus strand (C>G on the coding strand, the complement: KMT2D is on the minus strand). VCF-style: chr12-49040646-G-C. GRCh37 (hg19) VCF-style: chr12-49434429-G-C.
Other names: short protein forms T2375S.
Identifiers: ClinVar variation 1392085 (VCV001392085.8), dbSNP rs1473013161, ClinGen allele CA384748763.

ClinVar aggregate classification (germline): Uncertain significance (1 of 4 stars; one submission).

Conditions:
Kabuki syndrome. Also called: NIIKAWA-KUROKI SYNDROME; Kabuki make-up syndrome. Identifiers: Orphanet 2322, MedGen C0796004, MONDO:0016512.

Submission:

Labcorp Genetics (formerly Invitae), Labcorp
Classification: Uncertain significance for Kabuki syndrome. Last evaluated: 2024-06-10. Review status: criteria provided, single submitter. Criteria: Invitae Variant Classification Sherloc (09022015). Collection method: clinical testing. Allele origin: germline.
Comment: This sequence change replaces threonine, which is neutral and polar, with serine, which is neutral and polar, at codon 2375 of the KMT2D protein (p.Thr2375Ser). This variant is not present in population databases (gnomAD no frequency). This variant has not been reported in the literature in individuals affected with KMT2D-related conditions. ClinVar contains an entry for this variant (Variation ID: 1392085). Advanced modeling of protein sequence and biophysical properties (such as structural, functional, and spatial information, amino acid conservation, physicochemical variation, residue mobility, and thermodynamic stability) performed at Invitae indicates that this missense variant is not expected to disrupt KMT2D protein function with a negative predictive value of 95%. In summary, the available evidence is currently insufficient to determine the role of this variant in disease. Therefore, it has been classified as a Variant of Uncertain Significance.